The following is an entry in ClinVar:

NM_001144967.3(NEDD4L):c.847G>C (p.Ala283Pro)

Gene: NEDD4L (NEDD4 like E3 ubiquitin protein ligase; plus strand). Cytogenetic location: 18q21.31.
Variant type: single nucleotide variant.
Coding change: c.847G>C on transcript NM_001144967.3 (MANE Select); coding-DNA position 847, G replaced by C.
Protein change: p.Ala283Pro; replaces alanine 283 with proline.
Molecular consequence: missense variant.
Genome position (GRCh38, 1-based): chr18:58,330,771, G>C. VCF-style: chr18-58330771-G-C. GRCh37 (hg19) VCF-style: chr18-55998003-G-C.
Other names: c.484G>C, p.Ala162Pro (NM_001144964.1, NM_001144965.2, NM_001144966.3 and 2 more transcripts); c.823G>C, p.Ala275Pro (NM_001144968.2, NM_001144969.2); c.847G>C, p.Ala283Pro (NM_001243960.2, NM_015277.6); short protein forms A162P, A275P, A283P.
Identifiers: ClinVar variation 1301722 (VCV001301722.6), dbSNP rs1408580789, ClinGen allele CA402555446.

ClinVar aggregate classification (germline): Conflicting classifications of pathogenicity. Review status: criteria provided, conflicting classifications (1 of 4 stars). 3 submissions from 3 submitters: Uncertain significance (2); Likely benign (1). Last evaluated 2024-07-31.

Conditions:
Periventricular nodular heterotopia 7 (PVNH7). Identifiers: MedGen C4310669, MONDO:0014966, OMIM 617201.

gnomAD v4.1: 5 of 1,610,682 alleles (0.00031%); highest among the groups gnomAD compares: Middle Eastern, 0.033%; no homozygotes.

Submissions (3):

Labcorp Genetics (formerly Invitae), Labcorp
Classification: Uncertain significance. Last evaluated: 2024-07-31. Review status: criteria provided, single submitter. Criteria: Invitae Variant Classification Sherloc (09022015). Collection method: clinical testing. Allele origin: germline.
Comment: This sequence change replaces alanine, which is neutral and non-polar, with proline, which is neutral and non-polar, at codon 283 of the NEDD4L protein (p.Ala283Pro). This variant is present in population databases (no rsID available, gnomAD 0.007%). This variant has not been reported in the literature in individuals affected with NEDD4L-related conditions. ClinVar contains an entry for this variant (Variation ID: 1301722). Advanced modeling of protein sequence and biophysical properties (such as structural, functional, and spatial information, amino acid conservation, physicochemical variation, residue mobility, and thermodynamic stability) performed at Invitae indicates that this missense variant is not expected to disrupt NEDD4L protein function with a negative predictive value of 80%. In summary, the available evidence is currently insufficient to determine the role of this variant in disease. Therefore, it has been classified as a Variant of Uncertain Significance.

Dubai Health Genomic Medicine Center, Dubai Health
Classification: Uncertain significance for Periventricular nodular heterotopia 7. Last evaluated: 2020-03-24. Review status: criteria provided, single submitter. Criteria: ACMG Guidelines, 2015. Collection method: clinical testing. Allele origin: germline. Affected: yes.

Blueprint Genetics
Classification: Likely benign. Last evaluated: 2019-08-13. Review status: criteria provided, single submitter. Criteria: ACMG Guidelines, 2015. Collection method: clinical testing. Allele origin: germline.